The following is an entry in ClinVar:

NM_000135.4(FANCA):c.1827-3C>T

Gene: FANCA (FA complementation group A; minus strand). Cytogenetic location: 16q24.3.
Variant type: single nucleotide variant.
Coding change: c.1827-3C>T on transcript NM_000135.4 (MANE Select); 3 bases into the intron before coding-DNA position 1827, C replaced by T.
Molecular consequence: intron variant.
Genome position (GRCh38, 1-based): chr16:89,775,818, G>A on the plus strand (C>T on the coding strand, the complement: FANCA is on the minus strand). VCF-style: chr16-89775818-G-A. GRCh37 (hg19) VCF-style: chr16-89842226-G-A.
Other names: c.1827-3C>T (NM_001286167.3).
Identifiers: ClinVar variation 1063536 (VCV001063536.6), dbSNP rs772236777, ClinGen allele CA624251502.
Genomic context (GRCh38, chr16:89,775,818, plus strand): 5'-AGCAGCAGAGCAGGCCTGGCAGTAGGTGGAGTACAGAGATGGGGGGATTTTATCTGCTCT[G>A]GATCACAGGAAAACAATACAATTAAGTCAGCTATGGCTTAAATTAATTCAAGATTACAAT-3'

ClinVar aggregate classification (germline): Uncertain significance (1 of 4 stars; one submission).

Conditions:
Fanconi anemia (FA). Also called: Fanconi's anemia. Identifiers: Orphanet 84, MedGen C0015625, MeSH D005199, MONDO:0019391.

Allele frequency attached by ClinVar (database versions not stated): gnomAD 0.00001; TOPMed below 0.00001.

Submission:

Labcorp Genetics (formerly Invitae), Labcorp
Classification: Uncertain significance for Fanconi anemia. Last evaluated: 2021-08-24. Review status: criteria provided, single submitter. Criteria: Invitae Variant Classification Sherloc (09022015). Collection method: clinical testing. Allele origin: germline.
Comment: This sequence change falls in intron 20 of the FANCA gene. It does not directly change the encoded amino acid sequence of the FANCA protein. It affects a nucleotide within the consensus splice site of the intron. This variant is not present in population databases (ExAC no frequency). This variant has not been reported in the literature in individuals affected with FANCA-related conditions. Variants that disrupt the consensus splice site are a relatively common cause of aberrant splicing (PMID: 17576681, 9536098). Algorithms developed to predict the effect of sequence changes on RNA splicing suggest that this variant is not likely to affect RNA splicing. In summary, the available evidence is currently insufficient to determine the role of this variant in disease. Therefore, it has been classified as a Variant of Uncertain Significance.

Literature cited by the submitters: PubMed 17576681; PubMed 9536098.